The following is an entry in ClinVar:

ClinVar aggregate classification (germline): Uncertain significance. Review status: criteria provided, multiple submitters, no conflicts (2 of 4 stars). 2 submissions from 2 submitters: Uncertain significance (2). Last evaluated 2024-03-26.

Conditions:
Congenital myasthenic syndrome 2A. Also called: Myasthenic syndrome, congenital, 2a, slow-channel. Identifiers: Orphanet 590, MedGen C4225374, MONDO:0014581, OMIM 616313.

Allele frequency attached by ClinVar (database versions not stated): ExAC 0.00010; 1000 Genomes Project 30x 0.00016; TOPMed 0.00028; gnomAD 0.00029; 1000 Genomes Project 0.00020; ESP Exome Variant Server 0.00023; gnomAD exomes 0.00002.
gnomAD v4.1: 71 of 1,614,150 alleles (0.0044%); highest among the groups gnomAD compares: African/African-American, 0.088%; no homozygotes.

Submissions (2):

Labcorp Genetics (formerly Invitae), Labcorp
Classification: Uncertain significance for Congenital myasthenic syndrome 2A. Last evaluated: 2024-03-26. Review status: criteria provided, single submitter. Criteria: Invitae Variant Classification Sherloc (09022015). Collection method: clinical testing. Allele origin: germline.
Comment: This sequence change replaces glycine, which is neutral and non-polar, with glutamic acid, which is acidic and polar, at codon 230 of the CHRNB1 protein (p.Gly230Glu). This variant is present in population databases (rs76022493, gnomAD 0.09%). This variant has not been reported in the literature in individuals affected with CHRNB1-related conditions. ClinVar contains an entry for this variant (Variation ID: 2038070). Advanced modeling of protein sequence and biophysical properties (such as structural, functional, and spatial information, amino acid conservation, physicochemical variation, residue mobility, and thermodynamic stability) performed at Invitae indicates that this missense variant is not expected to disrupt CHRNB1 protein function with a negative predictive value of 80%. In summary, the available evidence is currently insufficient to determine the role of this variant in disease. Therefore, it has been classified as a Variant of Uncertain Significance.

Revvity Omics, Revvity
Classification: Uncertain significance. Last evaluated: 2021-04-16. Review status: criteria provided, single submitter. Criteria: ACMG Guidelines, 2015. Collection method: clinical testing. Allele origin: germline.

NM_000747.3(CHRNB1):c.689G>A (p.Gly230Glu)

Gene: CHRNB1 (cholinergic receptor nicotinic beta 1 subunit; plus strand). Cytogenetic location: 17p13.1.
Variant type: single nucleotide variant.
Coding change: c.689G>A on transcript NM_000747.3 (MANE Select); coding-DNA position 689, G replaced by A.
Protein change: p.Gly230Glu; replaces glycine 230 with glutamic acid.
Molecular consequence: missense variant.
Genome position (GRCh38, 1-based): chr17:7,448,657, G>A. VCF-style: chr17-7448657-G-A. GRCh37 (hg19) VCF-style: chr17-7351976-G-A.
Other names: c.689G>A (NM_000747.2); short protein forms G230E.
Identifiers: ClinVar variation 2038070 (VCV002038070.7), dbSNP rs76022493, ClinGen allele CA8347858.